The following is an entry in ClinVar:

ClinVar aggregate classification (germline): Uncertain significance (1 of 4 stars; one submission).

Conditions:
RASopathy. Also called: rasopathies; Noonan spectrum disorder. Identifiers: Orphanet 536391, MedGen C5555857, MONDO:0021060.

Submission:

Labcorp Genetics (formerly Invitae), Labcorp
Classification: Uncertain significance for RASopathy. Last evaluated: 2026-01-05. Review status: criteria provided, single submitter. Criteria: Invitae Variant Classification Sherloc (09022015). Collection method: clinical testing. Allele origin: germline.
Comment: This sequence change replaces histidine, which is basic and polar, with arginine, which is basic and polar, at codon 292 of the MAP2K2 protein (p.His292Arg). The frequency data for this variant in the population databases is considered unreliable, as metrics indicate poor data quality at this position in the gnomAD database. This variant has not been reported in the literature in individuals affected with MAP2K2-related conditions. Invitae Evidence Modeling of protein sequence and biophysical properties (such as structural, functional, and spatial information, amino acid conservation, physicochemical variation, residue mobility, and thermodynamic stability) indicates that this missense variant is not expected to disrupt MAP2K2 protein function with a negative predictive value of 95%. In summary, the available evidence is currently insufficient to determine the role of this variant in disease. Therefore, it has been classified as a Variant of Uncertain Significance.

NM_030662.4(MAP2K2):c.875A>G (p.His292Arg)

Gene: MAP2K2 (mitogen-activated protein kinase kinase 2; minus strand). Cytogenetic location: 19p13.3.
Variant type: single nucleotide variant.
Coding change: c.875A>G on transcript NM_030662.4 (MANE Select); coding-DNA position 875, A replaced by G.
Protein change: p.His292Arg; replaces histidine 292 with arginine.
Molecular consequence: missense variant. On other transcripts: intron variant (1).
Genome position (GRCh38, 1-based): chr19:4,099,245, T>C on the plus strand (A>G on the coding strand, the complement: MAP2K2 is on the minus strand). VCF-style: chr19-4099245-T-C. GRCh37 (hg19) VCF-style: chr19-4099243-T-C.
Other names: c.305A>G, p.His102Arg (NM_001440689.1); c.705+1774A>G (NM_001440688.1); short protein forms H102R, H292R.
Identifiers: ClinVar variation 4738848 (VCV004738848.1).